The following is an entry in ClinVar:

NM_006421.5(ARFGEF1):c.149A>T (p.Lys50Ile)

Gene: ARFGEF1 (ARF guanine nucleotide exchange factor 1; minus strand). Cytogenetic location: 8q13.2.
Variant type: single nucleotide variant.
Coding change: c.149A>T on transcript NM_006421.5 (MANE Select); coding-DNA position 149, A replaced by T.
Protein change: p.Lys50Ile; replaces lysine 50 with isoleucine.
Molecular consequence: missense variant. On other transcripts: 5 prime UTR variant (3), non-coding transcript variant (1), intron variant (1).
Genome position (GRCh38, 1-based): chr8:67,302,442, T>A on the plus strand (A>T on the coding strand, the complement: ARFGEF1 is on the minus strand). VCF-style: chr8-67302442-T-A. GRCh37 (hg19) VCF-style: chr8-68214677-T-A.
Other names: c.149A>T, p.Lys50Ile (NM_001413185.1, NM_001413186.1, NM_001413187.1 and 7 more transcripts); c.-452A>T (NM_001413188.1, NM_001413193.1); c.-967A>T (NM_001413196.1); c.-445-1062A>T (NM_001413197.1); short protein forms K50I.
Identifiers: ClinVar variation 5037105 (VCV005037105.1).
Genomic context (GRCh38, chr8:67,302,442, plus strand): 5'-CAAGACTGACAAGTTTGAAAATTATTTTTACTAAAGAAAAGAAATCCCACAAACCTCTGT[T>A]TTTCAGTTTCCGCTTTTATTTCCTCTGAGGGGAAAAAAAAAGAAGCATACATTAGAAAAC-3'
Protein context (NP_006412.2, residues 40-60): ALEEIKAETE[Lys50Ile]QSPPHGEAKA

ClinVar aggregate classification (germline): Uncertain significance (1 of 4 stars; one submission).

Submission:

GeneDx
Classification: Uncertain significance. Last evaluated: 2026-04-13. Review status: criteria provided, single submitter. Criteria: GeneDx Variant Classification Process June 2021. Collection method: clinical testing. Allele origin: germline.
Comment: Not observed at significant frequency in large population cohorts (gnomAD); In silico analysis supports that this missense variant has a deleterious effect on protein structure/function; Has not been previously published as pathogenic or benign to our knowledge